The following is an entry in ClinVar:

NM_015122.3(FCHO1):c.2056A>T (p.Ile686Phe)

Gene: FCHO1 (FCH and mu domain containing endocytic adaptor 1; plus strand). Cytogenetic location: 19p13.11.
Variant type: single nucleotide variant.
Coding change: c.2056A>T on transcript NM_015122.3 (MANE Select); coding-DNA position 2056, A replaced by T.
Protein change: p.Ile686Phe; replaces isoleucine 686 with phenylalanine.
Molecular consequence: missense variant. On other transcripts: non-coding transcript variant (36).
Genome position (GRCh38, 1-based): chr19:17,783,135, A>T. VCF-style: chr19-17783135-A-T. GRCh37 (hg19) VCF-style: chr19-17893944-A-T.
Other names: c.2056A>T, p.Ile686Phe (NM_001161357.2, NM_001161358.2, NM_001384370.1 and 13 more transcripts); c.1906A>T, p.Ile636Phe (NM_001161359.2, NM_001384384.1, NM_001384385.1 and 1 more transcripts); c.2017A>T, p.Ile673Phe (NM_001384388.1, NM_001384389.1, NM_001384405.1); c.1981A>T, p.Ile661Phe (NM_001384390.1); c.1939A>T, p.Ile647Phe (NM_001384392.1, NM_001384393.1, NM_001384394.1 and 1 more transcripts); c.1780A>T, p.Ile594Phe (NM_001384396.1, NM_001384397.1, NM_001384398.1 and 5 more transcripts); c.1735A>T, p.Ile579Phe (NM_001384403.1); c.1630A>T, p.Ile544Phe (NM_001384406.1); and 1 more; short protein forms I496F, I544F, I579F, I594F, I636F, I647F, I661F, I673F.
Identifiers: ClinVar variation 4811274 (VCV004811274.1).
Genomic context (GRCh38, chr19:17,783,135, plus strand): 5'-GTGTTCAGCGGGACCCCACCACCACCTGTCCTCAGCTTCCGGCTTGTACACACAACCGCT[A>T]TTGAGCACTTCCAGCCCAACGCCGATCTGCTGTTCAGGTACTATGGAGGGGCAGTGGGAG-3'
Protein context (NP_055937.1, residues 676-696): LSFRLVHTTA[Ile686Phe]EHFQPNADLL

ClinVar aggregate classification (germline): Uncertain significance (1 of 4 stars; one submission).

Submission:

Labcorp Genetics (formerly Invitae), Labcorp
Classification: Uncertain significance. Last evaluated: 2026-01-21. Review status: criteria provided, single submitter. Criteria: Invitae Variant Classification Sherloc (09022015). Collection method: clinical testing. Allele origin: germline.
Comment: This sequence change replaces isoleucine, which is neutral and non-polar, with phenylalanine, which is neutral and non-polar, at codon 686 of the FCHO1 protein (p.Ile686Phe). This variant is not present in population databases (gnomAD no frequency). This variant has not been reported in the literature in individuals affected with FCHO1-related conditions. An algorithm developed to predict the effect of missense changes on protein structure and function (PolyPhen-2) suggests that this variant is likely to be disruptive. In summary, the available evidence is currently insufficient to determine the role of this variant in disease. Therefore, it has been classified as a Variant of Uncertain Significance.